The following is an entry in ClinVar:

NM_006118.4(HAX1):c.154C>T (p.His52Tyr)

Gene: HAX1 (HCLS1 associated protein X-1; plus strand). Cytogenetic location: 1q21.3.
Variant type: single nucleotide variant.
Coding change: c.154C>T on transcript NM_006118.4 (MANE Select); coding-DNA position 154, C replaced by T.
Protein change: p.His52Tyr; replaces histidine 52 with tyrosine.
Molecular consequence: missense variant. On other transcripts: intron variant (1).
Genome position (GRCh38, 1-based): chr1:154,273,436, C>T. VCF-style: chr1-154273436-C-T. GRCh37 (hg19) VCF-style: chr1-154245912-C-T.
Other names: c.54-44C>T (NM_001018837.2); short protein forms H52Y.
Identifiers: ClinVar variation 3524099 (VCV003524099.1).
Genomic context (GRCh38, chr1:154,273,436, plus strand): 5'-GATGATGATGAGGAAGAAGAAGAAGAAGGGGGCTCATGGGGCCGTGGGAACCCAAGGTTC[C>T]ATAGTCCTCAGCACCCCCCTGAGGAATTTGGCTTCGGCTTCAGCTTCAGCCCAGGAGGAG-3'
Protein context (NP_006109.2, residues 42-62): GSWGRGNPRF[His52Tyr]SPQHPPEEFG

ClinVar aggregate classification (germline): Uncertain significance (1 of 4 stars; one submission).

Conditions:
Inborn genetic diseases. Identifiers: MedGen C0950123, MeSH D030342.

gnomAD v4.1: 1 of 1,614,140 alleles (0.000062%); highest among the groups gnomAD compares: East Asian, 0.0022%; no homozygotes.

Submission:

Ambry Genetics
Classification: Uncertain significance for Inborn genetic diseases. Last evaluated: 2024-12-07. Review status: criteria provided, single submitter. Criteria: Ambry Variant Classification Scheme 2023. Collection method: clinical testing. Allele origin: germline.
Comment: The p.H52Y variant (also known as c.154C>T), located in coding exon 2 of the HAX1 gene, results from a C to T substitution at nucleotide position 154. The histidine at codon 52 is replaced by tyrosine, an amino acid with similar properties. This amino acid position is conserved. In addition, this alteration is predicted to be tolerated by in silico analysis. Based on the available evidence, the clinical significance of this variant remains unclear.